The following is an entry in ClinVar:

ClinVar aggregate classification (germline): Likely pathogenic. Review status: criteria provided, multiple submitters, no conflicts (2 of 4 stars). 3 submissions from 3 submitters: Likely pathogenic (3). Last evaluated 2024-07-10.

Conditions:
Combined malonic and methylmalonic acidemia. Identifiers: Orphanet 289504, MedGen C3280314, MONDO:0013661, OMIM 614265.

Submissions (3):

Natera, Inc.
Classification: Likely pathogenic for Combined malonic and methylmalonic aciduria. Last evaluated: 2024-07-10. Review status: criteria provided, single submitter. Criteria: Natera Variant Classification Schema (03/2026). Collection method: clinical testing. Allele origin: germline.
Comment: The c.977+1G>T variant in ACSF3 is a canonical splice donor site variant predicted to affect pre-mRNA splicing, which may result in an abnormal transcript and altered protein product. This variant is expected to result in nonsense mediated decay, truncation, or a dysfunctional protein product. This variant is rare in the general population with a frequency below the threshold expected for the associated phenotype(s). Given the available evidence, this variant is classified as Likely Pathogenic.

Baylor Genetics
Classification: Likely pathogenic for Combined malonic and methylmalonic acidemia. Last evaluated: 2023-12-01. Review status: criteria provided, single submitter. Criteria: ACMG Guidelines, 2015. Collection method: clinical testing. Allele origin: unknown.

Labcorp Genetics (formerly Invitae), Labcorp
Classification: Likely pathogenic for Combined malonic and methylmalonic acidemia. Last evaluated: 2023-05-27. Review status: criteria provided, single submitter. Criteria: Invitae Variant Classification Sherloc (09022015). Collection method: clinical testing. Allele origin: germline.
Comment: Algorithms developed to predict the effect of sequence changes on RNA splicing suggest that this variant may disrupt the consensus splice site. This variant has not been reported in the literature in individuals affected with ACSF3-related conditions. This variant is not present in population databases (gnomAD no frequency). This sequence change affects a donor splice site in intron 5 of the ACSF3 gene. It is expected to disrupt RNA splicing. Variants that disrupt the donor or acceptor splice site typically lead to a loss of protein function (PMID: 16199547), and loss-of-function variants in ACSF3 are known to be pathogenic (PMID: 21841779, 26827111). In summary, the currently available evidence indicates that the variant is pathogenic, but additional data are needed to prove that conclusively. Therefore, this variant has been classified as Likely Pathogenic.

Literature cited by the submitters: PubMed 16199547 (cited by Labcorp Genetics (formerly Invitae), Labcorp); PubMed 21841779 (cited by Labcorp Genetics (formerly Invitae), Labcorp); PubMed 26827111 (cited by Labcorp Genetics (formerly Invitae), Labcorp).

NM_001243279.3(ACSF3):c.977+1G>T

Gene: ACSF3 (acyl-CoA synthetase family member 3; plus strand). Cytogenetic location: 16q24.3.
Variant type: single nucleotide variant.
Coding change: c.977+1G>T on transcript NM_001243279.3 (MANE Select); the canonical splice donor site of the intron after coding-DNA position 977, G replaced by T.
Molecular consequence: splice donor variant.
Genome position (GRCh38, 1-based): chr16:89,112,247, G>T. VCF-style: chr16-89112247-G-T. GRCh37 (hg19) VCF-style: chr16-89178655-G-T.
Other names: c.977+1G>T (NM_001127214.4, NM_174917.5, NM_174917.4); c.182+1G>T (NM_001284316.2).
Identifiers: ClinVar variation 2680573 (VCV002680573.6), dbSNP rs141056046, ClinGen allele CA397139584.